The following is an entry in ClinVar:

ClinVar aggregate classification (germline): Pathogenic (1 of 4 stars; one submission).

Conditions:
Leigh syndrome (NULS). Also called: LEIGH SYNDROME, NUCLEAR; Leigh's syndrome; Leigh's necrotizing encephalopathy; Leigh's disease; Leigh Syndrome (mtDNA deletion); Leigh Disease. Identifiers: Orphanet 506, MedGen C2931891, MONDO:0009723, OMIM 256000.

Submission:

Labcorp Genetics (formerly Invitae), Labcorp
Classification: Pathogenic for Leigh syndrome. Last evaluated: 2025-10-21. Review status: criteria provided, single submitter. Criteria: Invitae Variant Classification Sherloc (09022015). Collection method: clinical testing. Allele origin: germline.
Comment: This sequence change creates a premature translational stop signal (p.Phe181Serfs*7) in the SURF1 gene. It is expected to result in an absent or disrupted protein product. Loss-of-function variants in SURF1 are known to be pathogenic (PMID: 10443880, 22488715, 24027061). This variant is not present in population databases (gnomAD no frequency). This variant has not been reported in the literature in individuals affected with SURF1-related conditions. Algorithms developed to predict the effect of sequence changes on RNA splicing suggest that this variant may disrupt the consensus splice site. For these reasons, this variant has been classified as Pathogenic.

Literature cited by the submitters: PubMed 10443880; PubMed 22488715; PubMed 24027061.

NM_003172.4(SURF1):c.537del (p.Phe181fs)

Gene: SURF1 (SURF1 cytochrome c oxidase assembly factor; minus strand). Cytogenetic location: 9q34.2.
Variant type: Deletion.
Coding change: c.537del on transcript NM_003172.4 (MANE Select); coding-DNA position 537, one base deleted (A; older notation c.537delA).
Protein change: p.Phe181fs; shifts the reading frame from phenylalanine 181.
Molecular consequence: frameshift variant.
Genome position (GRCh38, 1-based): chr9:133,352,745, T deleted on the plus strand (A on the coding strand, the reverse complement: SURF1 is on the minus strand). VCF-style (leftmost placement, unchanged base first): chr9-133352744-CT-C. GRCh37 (hg19) VCF-style: chr9-136219599-CT-C.
Other names: c.210del, p.Phe72fs (NM_001280787.1); short protein forms F72fs, F181fs.
Identifiers: ClinVar variation 4752269 (VCV004752269.1).
Genomic context (GRCh38, chr9:133,352,744, plus strand): 5'-TGTCCCTTACCTGGCCTTTCTGCCGGGTTTCAGGATTCACTTTCTTCCTGGGAACGAACC[CT>C]CTATTTACCAGGATGGTGACTCTAGGGTAATGAAAGTGCTACTTCAGGTGGGGAGGGTTT-3'